The following is an entry in ClinVar:

NM_024635.4(NAA35):c.560G>T (p.Ser187Ile)

Gene: NAA35 (N-alpha-acetyltransferase 35, NatC auxiliary subunit; plus strand). Cytogenetic location: 9q21.33.
Variant type: single nucleotide variant.
Coding change: c.560G>T on transcript NM_024635.4 (MANE Select); coding-DNA position 560, G replaced by T.
Protein change: p.Ser187Ile; replaces serine 187 with isoleucine.
Molecular consequence: missense variant.
Genome position (GRCh38, 1-based): chr9:85,975,010, G>T. VCF-style: chr9-85975010-G-T. GRCh37 (hg19) VCF-style: chr9-88589925-G-T.
Other names: c.560G>T, p.Ser187Ile (NM_001321881.2, NM_001321882.2); c.560G>T (NM_024635.3); short protein forms S187I.
Identifiers: ClinVar variation 2780775 (VCV002780775.4), dbSNP rs200590081, ClinGen allele CA196031907.

ClinVar aggregate classification (germline): Uncertain significance. Review status: criteria provided, multiple submitters, no conflicts (2 of 4 stars). 2 submissions from 2 submitters: Uncertain significance (2). Last evaluated 2025-09-11.

Allele frequency attached by ClinVar (database versions not stated): gnomAD exomes below 0.00001; gnomAD 0.00001; TOPMed 0.00001; 1000 Genomes Project 0.00020; 1000 Genomes Project 30x 0.00031.
gnomAD v4.1: 6 of 1,613,048 alleles (0.00037%); highest among the groups gnomAD compares: Non-Finnish European, 0.00051%; no homozygotes.

Submissions (2):

Ambry Genetics
Classification: Uncertain significance. Last evaluated: 2025-09-11. Review status: criteria provided, single submitter. Criteria: Ambry Variant Classification Scheme 2023. Collection method: clinical testing. Allele origin: germline.

Labcorp Genetics (formerly Invitae), Labcorp
Classification: Uncertain significance. Last evaluated: 2022-11-03. Review status: criteria provided, single submitter. Criteria: Invitae Variant Classification Sherloc (09022015). Collection method: clinical testing. Allele origin: germline.
Comment: In summary, the available evidence is currently insufficient to determine the role of this variant in disease. Therefore, it has been classified as a Variant of Uncertain Significance. Algorithms developed to predict the effect of missense changes on protein structure and function (SIFT, PolyPhen-2, Align-GVGD) all suggest that this variant is likely to be tolerated. This variant has not been reported in the literature in individuals affected with NAA35-related conditions. This variant is not present in population databases (gnomAD no frequency). This sequence change replaces serine, which is neutral and polar, with isoleucine, which is neutral and non-polar, at codon 187 of the NAA35 protein (p.Ser187Ile).